The following is an entry in ClinVar:

ClinVar aggregate classification (germline): Uncertain significance (1 of 4 stars; one submission).

Conditions:
Inborn genetic diseases. Identifiers: MedGen C0950123, MeSH D030342.

Submission:

Ambry Genetics
Classification: Uncertain significance for Inborn genetic diseases. Last evaluated: 2024-12-30. Review status: criteria provided, single submitter. Criteria: Ambry Variant Classification Scheme 2023. Collection method: clinical testing. Allele origin: germline.
Comment: The p.F289Y variant (also known as c.866T>A), located in coding exon 1 of the SAMD9 gene, results from a T to A substitution at nucleotide position 866. The phenylalanine at codon 289 is replaced by tyrosine, an amino acid with highly similar properties. This amino acid position is conserved. In addition, this alteration is predicted to be tolerated by in silico analysis. Based on the available evidence, the clinical significance of this variant remains unclear.

NM_017654.4(SAMD9):c.866T>A (p.Phe289Tyr)

Gene: SAMD9 (sterile alpha motif domain containing 9; minus strand). Cytogenetic location: 7q21.2.
Variant type: single nucleotide variant.
Coding change: c.866T>A on transcript NM_017654.4 (MANE Select); coding-DNA position 866, T replaced by A.
Protein change: p.Phe289Tyr; replaces phenylalanine 289 with tyrosine.
Molecular consequence: missense variant.
Genome position (GRCh38, 1-based): chr7:93,105,232, A>T on the plus strand (T>A on the coding strand, the complement: SAMD9 is on the minus strand). VCF-style: chr7-93105232-A-T. GRCh37 (hg19) VCF-style: chr7-92734545-A-T.
Other names: c.866T>A, p.Phe289Tyr (NM_001193307.2); short protein forms F289Y.
Identifiers: ClinVar variation 3791960 (VCV003791960.1).